The following is an entry in ClinVar:

ClinVar aggregate classification (germline): Uncertain significance. Review status: criteria provided, multiple submitters, no conflicts (2 of 4 stars). 3 submissions from 3 submitters: Uncertain significance (3). Last evaluated 2023-08-10.

Conditions:
Juvenile polyposis syndrome (JPS). Identifiers: Orphanet 2929, MedGen C0345893, MONDO:0017380, OMIM 174900.
Familial thoracic aortic aneurysm and aortic dissection (TAAD). Also called: Thoracic aortic aneurysms and dissections. Identifiers: Orphanet 91387, MedGen C4707243, MONDO:0019625.
Hereditary cancer-predisposing syndrome. Also called: Hereditary neoplastic syndrome; Hereditary Cancer Syndrome; Tumor predisposition; Neoplastic Syndromes, Hereditary. Identifiers: Orphanet 140162, MedGen C0027672, MeSH D009386, MONDO:0015356.

Allele frequency attached by ClinVar (database versions not stated): TOPMed below 0.00001.

Submissions (3):

Labcorp Genetics (formerly Invitae), Labcorp
Classification: Uncertain significance for Juvenile polyposis syndrome. Last evaluated: 2023-08-10. Review status: criteria provided, single submitter. Criteria: Invitae Variant Classification Sherloc (09022015). Collection method: clinical testing. Allele origin: germline.
Comment: This sequence change replaces isoleucine, which is neutral and non-polar, with valine, which is neutral and non-polar, at codon 326 of the SMAD4 protein (p.Ile326Val). This variant is not present in population databases (gnomAD no frequency). This variant has not been reported in the literature in individuals affected with SMAD4-related conditions. ClinVar contains an entry for this variant (Variation ID: 968698). Advanced modeling of protein sequence and biophysical properties (such as structural, functional, and spatial information, amino acid conservation, physicochemical variation, residue mobility, and thermodynamic stability) has been performed at Invitae for this missense variant, however the output from this modeling did not meet the statistical confidence thresholds required to predict the impact of this variant on SMAD4 protein function. In summary, the available evidence is currently insufficient to determine the role of this variant in disease. Therefore, it has been classified as a Variant of Uncertain Significance.

Ambry Genetics
Classification: Uncertain significance for Hereditary cancer-predisposing syndrome; Familial thoracic aortic aneurysm and aortic dissection. Last evaluated: 2023-03-03. Review status: criteria provided, single submitter. Criteria: Ambry Variant Classification Scheme 2023. Collection method: clinical testing. Allele origin: germline.
Comment: The p.I326V variant (also known as c.976A>G), located in coding exon 8 of the SMAD4 gene, results from an A to G substitution at nucleotide position 976. The isoleucine at codon 326 is replaced by valine, an amino acid with highly similar properties. This amino acid position is conserved. In addition, the in silico prediction for this alteration is inconclusive. Since supporting evidence is limited at this time, the clinical significance of this alteration remains unclear.

GeneDx
Classification: Uncertain significance. Last evaluated: 2019-10-29. Review status: criteria provided, single submitter. Criteria: GeneDx Variant Classification Process June 2021. Collection method: clinical testing. Allele origin: germline. Affected: yes.
Comment: Not observed in large population cohorts (Lek 2016); In silico analysis, which includes protein predictors and evolutionary conservation, supports that this variant does not alter protein structure/function; Has not been previously published as pathogenic or benign to our knowledge

NM_005359.6(SMAD4):c.976A>G (p.Ile326Val)

Gene: SMAD4 (SMAD family member 4; plus strand). Cytogenetic location: 18q21.2.
Variant type: single nucleotide variant.
Coding change: c.976A>G on transcript NM_005359.6 (MANE Select); coding-DNA position 976, A replaced by G.
Protein change: p.Ile326Val; replaces isoleucine 326 with valine.
Molecular consequence: missense variant.
Genome position (GRCh38, 1-based): chr18:51,065,443, A>G. VCF-style: chr18-51065443-A-G. GRCh37 (hg19) VCF-style: chr18-48591813-A-G.
Other names: short protein forms I326V.
Identifiers: ClinVar variation 968698 (VCV000968698.12), dbSNP rs1402203611, ClinGen allele CA402464122.